The following is an entry in ClinVar:

NM_001144758.3(PHLDB1):c.2603G>A (p.Arg868His)

Gene: PHLDB1 (pleckstrin homology like domain family B member 1; plus strand). Cytogenetic location: 11q23.3.
Variant type: single nucleotide variant.
Coding change: c.2603G>A on transcript NM_001144758.3 (MANE Select); coding-DNA position 2603, G replaced by A.
Protein change: p.Arg868His; replaces arginine 868 with histidine.
Molecular consequence: missense variant.
Genome position (GRCh38, 1-based): chr11:118,638,958, G>A. VCF-style: chr11-118638958-G-A. GRCh37 (hg19) VCF-style: chr11-118509676-G-A.
Other names: c.2603G>A, p.Arg868His (NM_001144759.3, NM_015157.4); short protein forms R868H.
Identifiers: ClinVar variation 2500160 (VCV002500160.1), dbSNP rs2298484, ClinGen allele CA6307038.
Genomic context (GRCh38, chr11:118,638,958, plus strand): 5'-TGGCCATCCTGGACAGTCAGGCTGGGCAGATCCGGGCTCAGGCCGTGCAGGAATCAGAAC[G>A]CCTGGCCCGGGACAAGAATGCCTCCTTACAGCTGCTGCAAAAGGTAGGGTCCCTGAGGTT-3'
Protein context (NP_001138230.1, residues 858-878): IRAQAVQESE[Arg868His]LARDKNASLQ

ClinVar aggregate classification (germline): Uncertain significance (1 of 4 stars; one submission).

Conditions:
Bardet-Biedl syndrome (BBS). Identifiers: Orphanet 110, MedGen C0752166, MONDO:0015229.

Allele frequency attached by ClinVar (database versions not stated): ESP Exome Variant Server 0.00015; gnomAD 0.00194; TOPMed 0.00234; ExAC 0.00425; 1000 Genomes Project 0.00978; 1000 Genomes Project 30x 0.00984.
gnomAD v4.1: 2,581 of 1,613,780 alleles (0.16%); highest among the groups gnomAD compares: East Asian, 3.8%; 48 homozygotes.

Submission:

SN ONGC Dept of Genetics and Molecular biology Vision Research Foundation
Classification: Uncertain significance for Bardet-Biedl syndrome. Review status: criteria provided, single submitter. Criteria: ACMG Guidelines, 2015. Collection method: research. Allele origin: unknown. Affected: yes. Observed: 1 heterozygote.
Comment: This variant was observed in digenic inheritance with the variant NC_000003.11:g.132403418C>T.